The following is an entry in ClinVar:

ClinVar aggregate classification (germline): Likely benign (0 of 4 stars; one submission).

Conditions:
NRP2-related disorder. Also called: NRP2-related condition.

gnomAD v4.1: 16 of 1,613,998 alleles (0.00099%); highest among the groups gnomAD compares: East Asian, 0.027%; no homozygotes.

Submission:

PreventionGenetics, part of Exact Sciences
Classification: Likely benign for NRP2-related condition. Last evaluated: 2021-09-16. Review status: no assertion criteria provided. Collection method: clinical testing. Allele origin: germline.
Comment: This variant is classified as likely benign based on ACMG/AMP sequence variant interpretation guidelines (Richards et al. 2015 PMID: 25741868, with internal and published modifications).

NM_003872.3(NRP2):c.1026C>T (p.Ile342=)

Gene: NRP2 (neuropilin 2; plus strand). Cytogenetic location: 2q33.3.
Variant type: single nucleotide variant.
Coding change: c.1026C>T on transcript NM_003872.3 (MANE Select); coding-DNA position 1026, C replaced by T.
Protein change: p.Ile342=; no amino-acid change (isoleucine 342 retained).
Molecular consequence: synonymous variant.
Genome position (GRCh38, 1-based): chr2:205,727,926, C>T. VCF-style: chr2-205727926-C-T. GRCh37 (hg19) VCF-style: chr2-206592650-C-T.
Other names: c.1026C>T, p.Ile342= (NM_018534.4, NM_201264.2, NM_201266.2 and 2 more transcripts).
Identifiers: ClinVar variation 3357836 (VCV003357836.1).